The following is an entry in ClinVar:

ClinVar aggregate classification (germline): Benign (1 of 4 stars; one submission).

Allele frequency attached by ClinVar (database versions not stated): gnomAD exomes 0.00053; 1000 Genomes Project 30x 0.00297; gnomAD 0.00318; 1000 Genomes Project 0.00319; TOPMed 0.00372.
gnomAD v4.1: 618 of 398,406 alleles (0.16%); highest among the groups gnomAD compares: African/African-American, 1%; 3 homozygotes.

Submission:

CeGaT Center for Human Genetics Tuebingen
Classification: Benign. Last evaluated: 2026-06-01. Review status: criteria provided, single submitter. Criteria: CeGaT Center For Human Genetics Tuebingen Variant Classification Criteria Version 2. Collection method: clinical testing. Allele origin: germline. Affected: yes. Observed: 9 variant alleles.
Comment: KCNQ1OT1: BS1, BS2

NM_000218.3(KCNQ1):c.1394-32492C>T

Genes: KCNQ1 (potassium voltage-gated channel subfamily Q member 1; plus strand), KCNQ1OT1 (KCNQ1 opposite strand/antisense transcript 1; minus strand). Cytogenetic location: 11p15.5.
Variant type: single nucleotide variant.
Coding change: c.1394-32492C>T on transcript NM_000218.3 (MANE Select); 32492 bases into the intron before coding-DNA position 1394, C replaced by T.
Molecular consequence: intron variant.
Genome position (GRCh38, 1-based): chr11:2,629,469, C>T. VCF-style: chr11-2629469-C-T. GRCh37 (hg19) VCF-style: chr11-2650699-C-T.
Other names: c.1124-32492C>T (NM_001406837.1); c.1298-32492C>T (NM_001406836.1); c.854-32492C>T (NM_001406838.1); c.1013-32492C>T (NM_181798.2).
Identifiers: ClinVar variation 1879175 (VCV001879175.29), dbSNP rs148316434, ClinGen allele CA216144029.